The following is an entry in ClinVar:

ClinVar aggregate classification (germline): Uncertain significance (1 of 4 stars; one submission).

Submission:

GeneDx
Classification: Uncertain significance. Last evaluated: 2024-03-20. Review status: criteria provided, single submitter. Criteria: GeneDx Variant Classification Process June 2021. Collection method: clinical testing. Allele origin: germline. Affected: yes.
Comment: Not observed at significant frequency in large population cohorts (gnomAD); In silico analysis supports that this missense variant has a deleterious effect on protein structure/function; Has not been previously published as pathogenic or benign to our knowledge

NM_014712.3(SETD1A):c.2272C>G (p.Pro758Ala)

Gene: SETD1A (SET domain containing 1A, histone lysine methyltransferase; plus strand). Cytogenetic location: 16p11.2.
Variant type: single nucleotide variant.
Coding change: c.2272C>G on transcript NM_014712.3 (MANE Select); coding-DNA position 2272, C replaced by G.
Protein change: p.Pro758Ala; replaces proline 758 with alanine.
Molecular consequence: missense variant.
Genome position (GRCh38, 1-based): chr16:30,966,153, C>G. VCF-style: chr16-30966153-C-G. GRCh37 (hg19) VCF-style: chr16-30977474-C-G.
Other names: short protein forms P758A.
Identifiers: ClinVar variation 3371220 (VCV003371220.1).